The following is an entry in ClinVar:

NM_020433.5(JPH2):c.1550G>A (p.Ser517Asn)

Gene: JPH2 (junctophilin 2; minus strand). Cytogenetic location: 20q13.12.
Variant type: single nucleotide variant.
Coding change: c.1550G>A on transcript NM_020433.5 (MANE Select); coding-DNA position 1550, G replaced by A.
Protein change: p.Ser517Asn; replaces serine 517 with asparagine.
Molecular consequence: missense variant.
Genome position (GRCh38, 1-based): chr20:44,116,125, C>T on the plus strand (G>A on the coding strand, the complement: JPH2 is on the minus strand). VCF-style: chr20-44116125-C-T. GRCh37 (hg19) VCF-style: chr20-42744765-C-T.
Other names: short protein forms S517N.
Identifiers: ClinVar variation 2586452 (VCV002586452.2), dbSNP rs1372245047, ClinGen allele CA409100396.

ClinVar aggregate classification (germline): Uncertain significance (1 of 4 stars; one submission).

Conditions:
Cardiovascular phenotype. Identifiers: MedGen CN230736.

Allele frequency attached by ClinVar (database versions not stated): gnomAD exomes below 0.00001; TOPMed 0.00001; gnomAD 0.00002.
gnomAD v4.1: 5 of 1,451,192 alleles (0.00034%); highest among the groups gnomAD compares: South Asian, 0.0028%; no homozygotes.

Submission:

Ambry Genetics
Classification: Uncertain significance for Cardiovascular phenotype. Last evaluated: 2023-09-08. Review status: criteria provided, single submitter. Criteria: Ambry Variant Classification Scheme 2023. Collection method: clinical testing. Allele origin: germline.
Comment: The p.S517N variant (also known as c.1550G>A), located in coding exon 4 of the JPH2 gene, results from a G to A substitution at nucleotide position 1550. The serine at codon 517 is replaced by asparagine, an amino acid with highly similar properties. This amino acid position is conserved. In addition, this alteration is predicted to be tolerated by in silico analysis. Since supporting evidence is limited at this time, the clinical significance of this alteration remains unclear.